The following is an entry in ClinVar:

ClinVar aggregate classification (germline): Uncertain significance (1 of 4 stars; one submission).

Conditions:
Cardiovascular phenotype. Identifiers: MedGen CN230736.

Submission:

Ambry Genetics
Classification: Uncertain significance for Cardiovascular phenotype. Last evaluated: 2024-08-06. Review status: criteria provided, single submitter. Criteria: Ambry Variant Classification Scheme 2023. Collection method: clinical testing. Allele origin: germline.
Comment: The p.S73R variant (also known as c.217A>C), located in coding exon 2 of the TBX20 gene, results from an A to C substitution at nucleotide position 217. The serine at codon 73 is replaced by arginine, an amino acid with dissimilar properties. This amino acid position is conserved. In addition, this alteration is predicted to be tolerated by in silico analysis. Based on the available evidence, the clinical significance of this variant remains unclear.

NM_001077653.2(TBX20):c.217A>C (p.Ser73Arg)

Gene: TBX20 (T-box transcription factor 20; minus strand). Cytogenetic location: 7p14.2.
Variant type: single nucleotide variant.
Coding change: c.217A>C on transcript NM_001077653.2 (MANE Select); coding-DNA position 217, A replaced by C.
Protein change: p.Ser73Arg; replaces serine 73 with arginine.
Molecular consequence: missense variant.
Genome position (GRCh38, 1-based): chr7:35,250,114, T>G on the plus strand (A>C on the coding strand, the complement: TBX20 is on the minus strand). VCF-style: chr7-35250114-T-G. GRCh37 (hg19) VCF-style: chr7-35289726-T-G.
Other names: c.217A>C, p.Ser73Arg (NM_001166220.1); short protein forms S73R.
Identifiers: ClinVar variation 3453874 (VCV003453874.1).